The following is an entry in ClinVar:

ClinVar aggregate classification (germline): Likely benign. Review status: criteria provided, multiple submitters, no conflicts (2 of 4 stars). 3 submissions from 3 submitters: Likely benign (3). Last evaluated 2026-04-17.

Conditions:
SCN10A-related disorder. Also called: SCN10A-related condition.
Cardiovascular phenotype. Identifiers: MedGen CN230736.
Brugada syndrome. Also called: Sudden Unexplained Nocturnal Death Syndrome (SUNDS); Sudden unexplained nocturnal death syndrome; Sudden Unexplained Death Syndrome; Sudden unexpected nocturnal death syndrome. Identifiers: Orphanet 130, MedGen C1142166, MONDO:0015263.

Allele frequency attached by ClinVar (database versions not stated): gnomAD 0.00001; ExAC 0.00002; ESP Exome Variant Server 0.00008.
gnomAD v4.1: 26 of 1,613,782 alleles (0.0016%); highest among the groups gnomAD compares: Middle Eastern, 0.033%; no homozygotes.

Submissions (3):

PreventionGenetics, part of Exact Sciences
Classification: Likely benign for SCN10A-related condition. Last evaluated: 2026-04-17. Review status: criteria provided, single submitter. Criteria: ACMG Guidelines, 2015. Collection method: clinical testing. Allele origin: germline.
Comment: This variant is classified as likely benign based on ACMG/AMP sequence variant interpretation guidelines (Richards et al. 2015 PMID: 25741868, with internal and published modifications).

Labcorp Genetics (formerly Invitae), Labcorp
Classification: Likely benign for Brugada syndrome. Last evaluated: 2025-02-07. Review status: criteria provided, single submitter. Criteria: Invitae Variant Classification Sherloc (09022015). Collection method: clinical testing. Allele origin: germline.

Ambry Genetics
Classification: Likely benign for Cardiovascular phenotype. Last evaluated: 2020-04-25. Review status: criteria provided, single submitter. Criteria: Ambry Variant Classification Scheme 2023. Collection method: clinical testing. Allele origin: germline.

NM_006514.4(SCN10A):c.3828C>T (p.Gly1276=)

Gene: SCN10A (sodium voltage-gated channel alpha subunit 10; minus strand). Cytogenetic location: 3p22.2.
Variant type: single nucleotide variant.
Coding change: c.3828C>T on transcript NM_006514.4 (MANE Select); coding-DNA position 3828, C replaced by T.
Protein change: p.Gly1276=; no amino-acid change (glycine 1276 retained).
Molecular consequence: synonymous variant.
Genome position (GRCh38, 1-based): chr3:38,712,422, G>A on the plus strand (C>T on the coding strand, the complement: SCN10A is on the minus strand). VCF-style: chr3-38712422-G-A. GRCh37 (hg19) VCF-style: chr3-38753913-G-A.
Other names: c.3828C>T (NM_006514.3); c.3825C>T, p.Gly1275= (NM_001293306.2); c.3534C>T, p.Gly1178= (NM_001293307.2).
Identifiers: ClinVar variation 1735316 (VCV001735316.6), dbSNP rs375572917, ClinGen allele CA2320085.
Genomic context (GRCh38, chr3:38,712,422, plus strand): 5'-GCTGAAGATGAGCCAGAAGATGAGGCAGACGAGGAGGACATTCATGATGGATGGGATGGC[G>A]CCCACCAGGGCATCCACCACCACCTGGTGGGAGATAGAGAAAGACCTGGAACCTCCCAAT-3'
Protein context (NP_006505.4, residues 1266-1286): GMRVVVDALV[Gly1276=]AIPSIMNVLL